The following is an entry in ClinVar:

NM_000548.5(TSC2):c.2935A>G (p.Ser979Gly)

Gene: TSC2 (TSC complex subunit 2; plus strand). Cytogenetic location: 16p13.3.
Variant type: single nucleotide variant.
Coding change: c.2935A>G on transcript NM_000548.5 (MANE Select); coding-DNA position 2935, A replaced by G.
Protein change: p.Ser979Gly; replaces serine 979 with glycine.
Molecular consequence: missense variant. On other transcripts: intron variant (9).
Genome position (GRCh38, 1-based): chr16:2,077,695, A>G. VCF-style: chr16-2077695-A-G. GRCh37 (hg19) VCF-style: chr16-2127696-A-G.
Other names: c.2935A>G, p.Ser979Gly (NM_001114382.3, NM_001406663.1, NM_001406664.1); c.2824A>G, p.Ser942Gly (NM_001406670.1); c.2788A>G, p.Ser930Gly (NM_001406675.1, NM_001406676.1); c.2335A>G, p.Ser779Gly (NM_001406680.1, NM_001406682.1, NM_001406683.1 and 1 more transcripts); c.1591A>G, p.Ser531Gly (NM_001406689.1); c.2837+1110A>G (NM_021055.3, NM_001370405.1, NM_001363528.2 and 2 more transcripts); c.2726+1110A>G (NM_001318827.2); c.2237+1110A>G (NM_001318831.2); and 2 more; short protein forms S779G, S930G, S942G, S979G, S531G.
Identifiers: ClinVar variation 2102875 (VCV002102875.4), dbSNP rs2543977903, ClinGen allele CA394281424.

ClinVar aggregate classification (germline): Uncertain significance (1 of 4 stars; one submission).

Conditions:
Tuberous sclerosis 2 (TSC2). Identifiers: Orphanet 805, MedGen C1860707, MONDO:0013199, OMIM 613254.

Submission:

Labcorp Genetics (formerly Invitae), Labcorp
Classification: Uncertain significance for Tuberous sclerosis 2. Last evaluated: 2025-07-20. Review status: criteria provided, single submitter. Criteria: Invitae Variant Classification Sherloc (09022015). Collection method: clinical testing. Allele origin: germline.
Comment: This sequence change replaces serine, which is neutral and polar, with glycine, which is neutral and non-polar, at codon 979 of the TSC2 protein (p.Ser979Gly). This variant is not present in population databases (gnomAD no frequency). This variant has not been reported in the literature in individuals affected with TSC2-related conditions. ClinVar contains an entry for this variant (Variation ID: 2102875). Invitae Evidence Modeling of protein sequence and biophysical properties (such as structural, functional, and spatial information, amino acid conservation, physicochemical variation, residue mobility, and thermodynamic stability) indicates that this missense variant is not expected to disrupt TSC2 protein function with a negative predictive value of 95%. In summary, the available evidence is currently insufficient to determine the role of this variant in disease. Therefore, it has been classified as a Variant of Uncertain Significance.